The following is an entry in ClinVar:

ClinVar aggregate classification (germline): Benign/Likely benign. Review status: criteria provided, multiple submitters, no conflicts (2 of 4 stars). 7 submissions from 7 submitters: Benign (1); Likely benign (4). 2 of the submissions do not count toward it. Last evaluated 2025-06-01.

Conditions:
Spinocerebellar ataxia type 19/22 (SCA19). Also called: SPINOCEREBELLAR ATAXIA 19; SPINOCEREBELLAR ATAXIA 22. Identifiers: Orphanet 98772, MedGen C1846367, MONDO:0011819, OMIM 607346.

Submissions (7):

CeGaT Center for Human Genetics Tuebingen
Classification: Likely benign. Last evaluated: 2025-06-01. Review status: criteria provided, single submitter. Criteria: CeGaT Center For Human Genetics Tuebingen Variant Classification Criteria Version 2. Collection method: clinical testing. Allele origin: germline. Affected: yes. Observed: 1 variant allele.
Comment: KCND3: BP4

Labcorp Genetics (formerly Invitae), Labcorp
Classification: Benign for Spinocerebellar ataxia type 19/22. Last evaluated: 2025-04-13. Review status: criteria provided, single submitter. Criteria: Invitae Variant Classification Sherloc (09022015). Collection method: clinical testing. Allele origin: germline.

Mayo Clinic Laboratories, Mayo Clinic
Classification: Likely benign. Last evaluated: 2024-10-15. Review status: criteria provided, single submitter. Criteria: ACMG Guidelines, 2015. Collection method: clinical testing. Allele origin: germline. Observed: 2 variant alleles.
Comment: BS2, BP4, BP7

Blueprint Genetics
Classification: Likely benign. Last evaluated: 2024-10-03. Review status: criteria provided, single submitter. Criteria: ACMG Guidelines, 2015. Collection method: clinical testing. Allele origin: germline.

GeneDx
Classification: Likely benign. Last evaluated: 2021-09-20. Review status: criteria provided, single submitter. Criteria: GeneDx Variant Classification Process June 2021. Collection method: clinical testing. Allele origin: germline. Affected: yes.
Comment: This variant is associated with the following publications: (PMID: 26582918)

Clinical Genetics DNA and cytogenetics Diagnostics Lab, Erasmus MC, Erasmus Medical Center
Classification: Likely benign. Review status: no assertion criteria provided. Collection method: clinical testing. Allele origin: germline. Affected: yes. Study: VKGL Data-share Consensus. Not counted in ClinVar's aggregate classification.

Clinical Genetics, Academic Medical Center
Classification: Benign. Review status: no assertion criteria provided. Collection method: clinical testing. Allele origin: germline. Affected: yes. Study: VKGL Data-share Consensus. Not counted in ClinVar's aggregate classification.

NM_001378969.1(KCND3):c.1372-6dup

Gene: KCND3 (potassium voltage-gated channel subfamily D member 3; minus strand). Cytogenetic location: 1p13.2.
Variant type: Duplication.
Coding change: c.1372-6dup on transcript NM_001378969.1 (MANE Select); 6 bases into the intron before coding-DNA position 1372, one base duplicated (T; older notation c.1372-6dupT).
Molecular consequence: intron variant.
Genome position (GRCh38, 1-based): chr1:111,780,320, A duplicated on the plus strand (T on the coding strand, the reverse complement: KCND3 is on the minus strand); the first of 7 consecutive A bases (chr1:111,780,320-111,780,326); duplicating any one gives the same sequence. VCF-style (leftmost placement, unchanged base first): chr1-111780319-T-TA. GRCh37 (hg19) VCF-style: chr1-112322941-T-TA.
Other names: p.?; c.1372-6dup (NM_004980.4, NM_001378970.1, NM_172198.3 and 1 more transcripts).
Identifiers: ClinVar variation 806190 (VCV000806190.32), dbSNP rs769051410, ClinGen allele CA1007442.